The following is an entry in ClinVar:

NM_000548.5(TSC2):c.3936G>A (p.Val1312=)

Gene: TSC2 (TSC complex subunit 2; plus strand). Cytogenetic location: 16p13.3.
Variant type: single nucleotide variant.
Coding change: c.3936G>A on transcript NM_000548.5 (MANE Select); coding-DNA position 3936, G replaced by A.
Protein change: p.Val1312=; no amino-acid change (valine 1312 retained).
Molecular consequence: synonymous variant.
Genome position (GRCh38, 1-based): chr16:2,083,747, G>A. VCF-style: chr16-2083747-G-A. GRCh37 (hg19) VCF-style: chr16-2133748-G-A.
Other names: c.3735G>A, p.Val1245= (NM_001077183.3); c.3867G>A, p.Val1289= (NM_001114382.3); c.3627G>A, p.Val1209= (NM_001318827.2); c.3591G>A, p.Val1197= (NM_001318829.2); c.3204G>A, p.Val1068= (NM_001318831.2); c.3768G>A, p.Val1256= (NM_001318832.2); c.3738G>A, p.Val1246= (NM_001363528.2); c.3804G>A, p.Val1268= (NM_001370404.1); and 1 more.
Identifiers: ClinVar variation 232698 (VCV000232698.20), dbSNP rs876659932, ClinGen allele CA10579896.

ClinVar aggregate classification (germline): Benign/Likely benign. Review status: criteria provided, multiple submitters, no conflicts (2 of 4 stars). 5 submissions from 5 submitters: Benign (1); Likely benign (4). Last evaluated 2025-06-02.

Conditions:
Hereditary cancer-predisposing syndrome. Also called: Hereditary Cancer Syndrome; Neoplastic Syndromes, Hereditary; Tumor predisposition; Hereditary neoplastic syndrome. Identifiers: Orphanet 140162, MedGen C0027672, MeSH D009386, MONDO:0015356.
Tuberous sclerosis syndrome (TSC). Also called: Tuberous sclerosis; Tuberous Sclerosis Complex. Identifiers: Orphanet 805, MedGen C0041341, MONDO:0001734.
Tuberous sclerosis 2 (TSC2). Identifiers: Orphanet 805, MedGen C1860707, MONDO:0013199, OMIM 613254.

Allele frequency attached by ClinVar (database versions not stated): gnomAD exomes below 0.00001.

Submissions (5):

Myriad Genetics, Inc.
Classification: Benign for Tuberous sclerosis 2. Last evaluated: 2025-06-02. Review status: criteria provided, single submitter. Criteria: Myriad Autosomal Dominant, Autosomal Recessive and X-Linked Classification Criteria (2023). Collection method: clinical testing. Allele origin: unknown.
Comment: This variant is considered benign. This variant is a silent/synonymous amino acid change and it is not expected to impact splicing.

Labcorp Genetics (formerly Invitae), Labcorp
Classification: Likely benign for Tuberous sclerosis 2. Last evaluated: 2023-05-02. Review status: criteria provided, single submitter. Criteria: Invitae Variant Classification Sherloc (09022015). Collection method: clinical testing. Allele origin: germline.

All of Us Research Program, National Institutes of Health
Classification: Likely benign for Tuberous sclerosis syndrome. Last evaluated: 2023-04-10. Review status: criteria provided, single submitter. Criteria: ACMG Guidelines, 2015. Collection method: clinical testing. Allele origin: germline. Inheritance: Autosomal dominant inheritance. Observed: 1 variant allele, 1 heterozygote.
Comment: This study involves interpretation of variants in research participants for the purpose of population health screening. Participant phenotype was not available at the time of variant classification. Additional details can be found in publication PMID: 35346344, PMCID: PMC8962531

Genome-Nilou Lab
Classification: Likely benign for Tuberous sclerosis 2. Last evaluated: 2021-11-07. Review status: criteria provided, single submitter. Criteria: ACMG Guidelines, 2015. Collection method: clinical testing. Allele origin: germline. Affected: no.

Ambry Genetics
Classification: Likely benign for Hereditary cancer-predisposing syndrome. Last evaluated: 2015-07-01. Review status: criteria provided, single submitter. Criteria: Ambry Variant Classification Scheme 2023. Collection method: clinical testing. Allele origin: germline.